The following is an entry in ClinVar:

NM_133372.3(FNIP1):c.226G>T (p.Gly76Cys)

Gene: FNIP1 (folliculin interacting protein 1; minus strand). Cytogenetic location: 5q31.1.
Variant type: single nucleotide variant.
Coding change: c.226G>T on transcript NM_133372.3 (MANE Select); coding-DNA position 226, G replaced by T.
Protein change: p.Gly76Cys; replaces glycine 76 with cysteine.
Molecular consequence: missense variant. On other transcripts: intron variant (1).
Genome position (GRCh38, 1-based): chr5:131,731,032, C>A on the plus strand (G>T on the coding strand, the complement: FNIP1 is on the minus strand). VCF-style: chr5-131731032-C-A. GRCh37 (hg19) VCF-style: chr5-131066725-C-A.
Other names: c.226G>T, p.Gly76Cys (NM_001008738.3, NM_001346113.2); c.220-11615G>T (NM_001346114.2); short protein forms G76C.
Identifiers: ClinVar variation 2116407 (VCV002116407.7), dbSNP rs7730228, ClinGen allele CA3400995.
Genomic context (GRCh38, chr5:131,731,032, plus strand): 5'-TGTCTCCTCCAGGTTTCAGTTGGCAGCATTTCCCAAAGACTTTAACTTGAGCATCACTGC[C>A]GAGTTTCTGAAATAACAGATATTTCCACTCATGTTTTAACAGATTTTTAACCATATACAA-3'
Protein context (NP_588613.3, residues 66-86): RNEDISVSKL[Gly76Cys]SDAQVKVFGK

ClinVar aggregate classification (germline): Benign. Review status: criteria provided, multiple submitters, no conflicts (2 of 4 stars). 3 submissions from 3 submitters: Benign (3). Last evaluated 2026-02-04.

Allele frequency attached by ClinVar (database versions not stated): gnomAD 0.99613; 1000 Genomes Project 0.99780; gnomAD exomes 0.99546; 1000 Genomes Project 30x 0.99844; TOPMed 0.99753; ExAC 0.99570; ESP Exome Variant Server 0.99677.
gnomAD v4.1: 1,603,550 of 1,610,750 alleles (100%); highest among the groups gnomAD compares: Middle Eastern, 100%; 798,209 homozygotes.

Submissions (3):

Labcorp Genetics (formerly Invitae), Labcorp
Classification: Benign. Last evaluated: 2026-02-04. Review status: criteria provided, single submitter. Criteria: Invitae Variant Classification Sherloc (09022015). Collection method: clinical testing. Allele origin: germline.

Women's Health and Genetics/Laboratory Corporation of America, LabCorp
Classification: Benign. Last evaluated: 2026-01-21. Review status: criteria provided, single submitter. Criteria: LabCorp Variant Classification Summary - May 2015. Collection method: clinical testing. Allele origin: germline.

Unidad de Genómica Garrahan, Hospital de Pediatría Garrahan
Classification: Benign. Last evaluated: 2024-01-24. Review status: criteria provided, single submitter. Criteria: ACMG Guidelines, 2015. Collection method: clinical testing. Allele origin: germline. Affected: no. Observed: 95 variant alleles.
Comment: This variant is classified as Benign based on local population frequency. This variant was detected in 100% of patients studied by a panel of primary immunodeficiencies. Number of patients: 95. Only high quality variants are reported.